The following is an entry in ClinVar:

ClinVar aggregate classification (germline): Pathogenic/Likely pathogenic. Review status: criteria provided, multiple submitters, no conflicts (2 of 4 stars). 8 submissions from 7 submitters: Pathogenic (4); Likely pathogenic (4). Last evaluated 2025-01-08.

Conditions:
Muscular dystrophy-dystroglycanopathy (congenital with impaired intellectual development), type B, 1. Also called: MUSCULAR DYSTROPHY, CONGENITAL, POMT1-RELATED; Muscular dystrophy-dystroglycanopathy (congenital with intellectual disability), type B1. Identifiers: MedGen C5436962, MONDO:0013159, OMIM 613155.
Autosomal recessive limb-girdle muscular dystrophy type 2K. Also called: MUSCULAR DYSTROPHY, LIMB-GIRDLE, TYPE 2K; MUSCULAR DYSTROPHY-DYSTROGLYCANOPATHY (LIMB-GIRDLE), TYPE C, 1. Identifiers: Orphanet 86812, MedGen C1836373, MONDO:0012248, OMIM 609308.
Muscular dystrophy-dystroglycanopathy (congenital with brain and eye anomalies), type A1 (MDDGA1). Also called: WALKER-WARBURG SYNDROME OR MUSCLE-EYE-BRAIN DISEASE, POMT1-RELATED; Hydrocephalus, agyria and retinal dysplasia; Hard +/- E syndrome; Warburg syndrome; Chemke syndrome; Pagon syndrome. Identifiers: Orphanet 588, Orphanet 899, MedGen C4284790, MONDO:0009364, OMIM 236670.
POMT1-related disorder. Also called: POMT1-related condition; POMT1-related disorders.
Walker-Warburg congenital muscular dystrophy. Also called: Muscular dystrophy-dystroglycanopathy, type A; Walker-Warburg syndrome. Identifiers: Orphanet 899, MedGen C0265221, MONDO:0000171.
Autosomal recessive limb-girdle muscular dystrophy. Identifiers: Orphanet 102015, MedGen C2931907, MONDO:0015152.

Allele frequency attached by ClinVar (database versions not stated): gnomAD exomes 0.00001; TOPMed 0.00005; gnomAD 0.00006.

Submissions (8):

Revvity Omics, Revvity
Classification: Likely pathogenic. Last evaluated: 2025-01-08. Review status: criteria provided, single submitter. Criteria: ACMG Guidelines, 2015. Collection method: clinical testing. Allele origin: germline.

Blueprint Genetics
Classification: Likely pathogenic for POMT1-related disorders. Last evaluated: 2024-09-23. Review status: criteria provided, single submitter. Criteria: ACMG Guidelines, 2015. Collection method: clinical testing. Allele origin: germline. Affected: yes. Observed: 2 variant alleles.

Fulgent Genetics
Classification: Pathogenic for Muscular dystrophy-dystroglycanopathy (congenital with brain and eye anomalies), type A1; Autosomal recessive limb-girdle muscular dystrophy type 2K; Muscular dystrophy-dystroglycanopathy (congenital with impaired intellectual development), type B, 1. Last evaluated: 2024-06-19. Review status: criteria provided, single submitter. Criteria: ACMG Guidelines, 2015. Collection method: clinical testing. Allele origin: germline.

GeneDx
Classification: Pathogenic. Last evaluated: 2024-06-17. Review status: criteria provided, single submitter. Criteria: GeneDx Variant Classification Process June 2021. Collection method: clinical testing. Allele origin: germline. Affected: yes.
Comment: Frameshift variant predicted to result in protein truncation or nonsense mediated decay in a gene for which loss of function is a known mechanism of disease; Not observed at significant frequency in large population cohorts (gnomAD); Has not been previously published as pathogenic or benign to our knowledge

Women's Health and Genetics/Laboratory Corporation of America, LabCorp
Classification: Pathogenic for Autosomal recessive limb-girdle muscular dystrophy. Last evaluated: 2024-06-10. Review status: criteria provided, single submitter. Criteria: LabCorp Variant Classification Summary - May 2015. Collection method: clinical testing. Allele origin: germline.
Comment: Variant summary: POMT1 c.579_580delAG (p.Val195ArgfsX42) results in a premature termination codon, predicted to cause a truncation of the encoded protein or absence of the protein due to nonsense mediated decay, which are commonly known mechanisms for disease. The variant allele was found at a frequency of 8e-06 in 251496 control chromosomes. To our knowledge, no occurrence of c.579_580delAG in individuals affected with Limb-Girdle Muscular Dystrophy, Autosomal Recessive and no experimental evidence demonstrating its impact on protein function have been reported. ClinVar contains an entry for this variant (Variation ID: 817606). Based on the evidence outlined above, the variant was classified as pathogenic.

Labcorp Genetics (formerly Invitae), Labcorp
Classification: Pathogenic for Muscular dystrophy-dystroglycanopathy (congenital with impaired intellectual development), type B, 1; Walker-Warburg congenital muscular dystrophy; Autosomal recessive limb-girdle muscular dystrophy type 2K. Last evaluated: 2024-01-04. Review status: criteria provided, single submitter. Criteria: Invitae Variant Classification Sherloc (09022015). Collection method: clinical testing. Allele origin: germline.
Comment: This sequence change creates a premature translational stop signal (p.Val195Argfs*42) in the POMT1 gene. It is expected to result in an absent or disrupted protein product. Loss-of-function variants in POMT1 are known to be pathogenic (PMID: 12369018, 15637732, 16575835). This variant is not present in population databases (gnomAD no frequency). This variant has not been reported in the literature in individuals affected with POMT1-related conditions. ClinVar contains an entry for this variant (Variation ID: 817606). For these reasons, this variant has been classified as Pathogenic.

Baylor Genetics
Classification: Likely pathogenic for Muscular dystrophy-dystroglycanopathy (congenital with brain and eye anomalies), type A1. Last evaluated: 2023-11-11. Review status: criteria provided, single submitter. Criteria: ACMG Guidelines, 2015. Collection method: clinical testing. Allele origin: unknown.

Baylor Genetics
Classification: Likely pathogenic for Muscular dystrophy-dystroglycanopathy (congenital with impaired intellectual development), type B, 1. Last evaluated: 2019-03-01. Review status: criteria provided, single submitter. Criteria: ACMG Guidelines, 2015. Collection method: clinical testing. Allele origin: maternal. Affected: yes.
Comment: This variant was determined to be likely pathogenic according to ACMG Guidelines, 2015 [PMID:25741868].

Literature cited by the submitters: PubMed 12369018 (cited by Labcorp Genetics (formerly Invitae), Labcorp); PubMed 15637732 (cited by Labcorp Genetics (formerly Invitae), Labcorp); PubMed 16575835 (cited by Labcorp Genetics (formerly Invitae), Labcorp).

NM_001077365.2(POMT1):c.579_580del (p.Val195fs)

Gene: POMT1 (protein O-mannosyltransferase 1; plus strand). Cytogenetic location: 9q34.13.
Variant type: Deletion.
Coding change: c.579_580del on transcript NM_001077365.2 (MANE Select); coding-DNA positions 579 to 580, 2 bases deleted (AG; older notation c.579_580delAG).
Protein change: p.Val195fs; shifts the reading frame from valine 195.
Molecular consequence: frameshift variant. On other transcripts: non-coding transcript variant (10).
Genome position (GRCh38, 1-based): chr9:131,509,782-131,509,783, AG deleted. VCF-style (leftmost placement, unchanged base first): chr9-131509781-CAG-C. GRCh37 (hg19) VCF-style: chr9-134385168-CAG-C.
Other names: c.417_418del, p.Val141fs (NM_001077366.2, NM_001353194.2, NM_001353197.2 and 3 more transcripts); c.579_580del, p.Val195fs (NM_001136113.2, NM_001353193.2, NM_001374690.1 and 1 more transcripts); c.228_229del, p.Val78fs (NM_001136114.2, NM_001353195.2, NM_001353199.2 and 2 more transcripts); c.489_490del, p.Val165fs (NM_001353196.2); c.123_124del, p.Val43fs (NM_001353200.2, NM_001374695.1); c.579_580delAG (NM_007171.3, NM_007171.4); short protein forms V165fs, V141fs, V195fs, V43fs, V78fs.
Identifiers: ClinVar variation 817606 (VCV000817606.18), dbSNP rs1032439203, ClinGen allele CA200784083.
Genomic context (GRCh38, chr9:131,509,781, plus strand): 5'-ATCTGCTTTGTTTTTATTCCAGCCCTTTTTCTCTGAGCTGGTGGTTCTGGCTAACACTGA[CAG>C]GGGTCGCTTGTTCCTGTGCAGTGGGGTGAGTTTGAGCCTCTGGTCTTGGGCAGTGTCCTC-3'